The following is an entry in ClinVar:

NM_032043.3(BRIP1):c.3210A>C (p.Ser1070=)

Gene: BRIP1 (BRCA1 interacting DNA helicase 1; minus strand). Cytogenetic location: 17q23.2.
Variant type: single nucleotide variant.
Coding change: c.3210A>C on transcript NM_032043.3 (MANE Select); coding-DNA position 3210, A replaced by C.
Protein change: p.Ser1070=; no amino-acid change (serine 1070 retained).
Molecular consequence: synonymous variant.
Genome position (GRCh38, 1-based): chr17:61,683,836, T>G on the plus strand (A>C on the coding strand, the complement: BRIP1 is on the minus strand). VCF-style: chr17-61683836-T-G. GRCh37 (hg19) VCF-style: chr17-59761197-T-G.
Identifiers: ClinVar variation 483183 (VCV000483183.18), dbSNP rs1555572773, ClinGen allele CA501335294.

ClinVar aggregate classification (germline): Benign/Likely benign. Review status: criteria provided, multiple submitters, no conflicts (2 of 4 stars). 4 submissions from 4 submitters: Benign (1); Likely benign (3). Last evaluated 2025-11-09.

Conditions:
Hereditary cancer-predisposing syndrome. Also called: Hereditary neoplastic syndrome; Neoplastic Syndromes, Hereditary; Tumor predisposition; Hereditary Cancer Syndrome. Identifiers: Orphanet 140162, MedGen C0027672, MeSH D009386, MONDO:0015356.
Fanconi anemia complementation group J. Also called: BRIP1-Related Fanconi Anemia. Identifiers: Orphanet 84, MedGen C1836860, MONDO:0012187, OMIM 609054.
Familial cancer of breast. Also called: BREAST CANCER, FAMILIAL; Hereditary breast cancer; hereditary breast carcinoma. Identifiers: Orphanet 227535, MedGen C0346153, MONDO:0016419, OMIM 114480. Disease mechanism: loss of function.

Submissions (4):

Labcorp Genetics (formerly Invitae), Labcorp
Classification: Likely benign for Familial cancer of breast; Fanconi anemia complementation group J. Last evaluated: 2025-11-09. Review status: criteria provided, single submitter. Criteria: Invitae Variant Classification Sherloc (09022015). Collection method: clinical testing. Allele origin: germline.

Myriad Genetics, Inc.
Classification: Benign for Familial cancer of breast. Last evaluated: 2024-09-10. Review status: criteria provided, single submitter. Criteria: Myriad Autosomal Dominant, Autosomal Recessive and X-Linked Classification Criteria (2023). Collection method: clinical testing. Allele origin: unknown.
Comment: This variant is considered benign. This variant is a silent/synonymous amino acid change and it is not expected to impact splicing.

Color Diagnostics, LLC DBA Color Health
Classification: Likely benign for Hereditary cancer-predisposing syndrome. Last evaluated: 2021-11-01. Review status: criteria provided, single submitter. Criteria: ACMG Guidelines, 2015. Collection method: clinical testing. Allele origin: germline.

Ambry Genetics
Classification: Likely benign for Hereditary cancer-predisposing syndrome. Last evaluated: 2016-12-05. Review status: criteria provided, single submitter. Criteria: Ambry Variant Classification Scheme 2023. Collection method: clinical testing. Allele origin: germline.